The following is an entry in ClinVar:

NM_014159.7(SETD2):c.6703G>C (p.Val2235Leu)

Gene: SETD2 (SET domain containing 2, histone lysine methyltransferase; minus strand). Cytogenetic location: 3p21.31.
Variant type: single nucleotide variant.
Coding change: c.6703G>C on transcript NM_014159.7 (MANE Select); coding-DNA position 6703, G replaced by C.
Protein change: p.Val2235Leu; replaces valine 2235 with leucine.
Molecular consequence: missense variant. On other transcripts: non-coding transcript variant (1).
Genome position (GRCh38, 1-based): chr3:47,057,081, C>G on the plus strand (G>C on the coding strand, the complement: SETD2 is on the minus strand). VCF-style: chr3-47057081-C-G. GRCh37 (hg19) VCF-style: chr3-47098571-C-G.
Other names: c.6571G>C, p.Val2191Leu (NM_001349370.3); short protein forms V2235L, V2191L.
Identifiers: ClinVar variation 1512088 (VCV001512088.16), dbSNP rs780019200, ClinGen allele CA2362675.

ClinVar aggregate classification (germline): Uncertain significance. Review status: criteria provided, multiple submitters, no conflicts (2 of 4 stars). 2 submissions from 2 submitters: Uncertain significance (2). Last evaluated 2025-07-01.

Conditions:
Luscan-Lumish syndrome. Identifiers: Orphanet 597738, MedGen C4085873, MONDO:0014791, OMIM 616831.

Allele frequency attached by ClinVar (database versions not stated): gnomAD 0.00003 and 0.00004; TOPMed 0.00003.
gnomAD v4.1: 180 of 1,614,102 alleles (0.011%); highest among the groups gnomAD compares: Non-Finnish European, 0.013%; 1 homozygote.

Submissions (2):

CeGaT Center for Human Genetics Tuebingen
Classification: Uncertain significance. Last evaluated: 2025-07-01. Review status: criteria provided, single submitter. Criteria: CeGaT Center For Human Genetics Tuebingen Variant Classification Criteria Version 2. Collection method: clinical testing. Allele origin: germline. Affected: yes. Observed: 1 variant allele.

Labcorp Genetics (formerly Invitae), Labcorp
Classification: Uncertain significance for Luscan-Lumish syndrome. Last evaluated: 2021-01-02. Review status: criteria provided, single submitter. Criteria: Invitae Variant Classification Sherloc (09022015). Collection method: clinical testing. Allele origin: germline.
Comment: In summary, the available evidence is currently insufficient to determine the role of this variant in disease. Therefore, it has been classified as a Variant of Uncertain Significance. Algorithms developed to predict the effect of missense changes on protein structure and function are either unavailable or do not agree on the potential impact of this missense change (SIFT: "Tolerated"; PolyPhen-2: "Probably Damaging"; Align-GVGD: "Class C0"). This variant has not been reported in the literature in individuals with SETD2-related conditions. This variant is present in population databases (rs780019200, ExAC 0.001%). This sequence change replaces valine with leucine at codon 2235 of the SETD2 protein (p.Val2235Leu). The valine residue is moderately conserved and there is a small physicochemical difference between valine and leucine.